The following is an entry in ClinVar:

ClinVar aggregate classification (germline): Likely pathogenic (1 of 4 stars; one submission).

Conditions:
Hereditary cancer-predisposing syndrome. Also called: Tumor predisposition; Hereditary neoplastic syndrome; Neoplastic Syndromes, Hereditary; Hereditary Cancer Syndrome. Identifiers: Orphanet 140162, MedGen C0027672, MeSH D009386, MONDO:0015356.

Submission:

Ambry Genetics
Classification: Likely pathogenic for Hereditary cancer-predisposing syndrome. Last evaluated: 2025-04-13. Review status: criteria provided, single submitter. Criteria: Ambry Variant Classification Scheme 2023. Collection method: clinical testing. Allele origin: germline.
Comment: The p.G401V variant (also known as c.1202G>T), located in coding exon 8 of the FH gene, results from a G to T substitution at nucleotide position 1202. The glycine at codon 401 is replaced by valine, an amino acid with dissimilar properties. This variant was reported in individual(s) with features consistent with hereditary leiomyomatosis and renal cell cancer (HLRCC) (Ambry internal data). Other variant(s) at the same codon, p.G401E (c.1202G>A), have been identified in individual(s) with features consistent with HLRCC and shown to be structurally deleterious (Ajalla Aleixo MA et al. FEBS J. 2019 May;286:1925-1940; Ambry internal data). This variant is considered to be rare based on population cohorts in the Genome Aggregation Database (gnomAD). This amino acid position is highly conserved in available vertebrate species. In addition, this alteration is predicted to be deleterious by in silico analysis. Based on the majority of available evidence to date, this variant is likely to be pathogenic.

NM_000143.4(FH):c.1202G>T (p.Gly401Val)

Gene: FH (fumarate hydratase; minus strand). Cytogenetic location: 1q43.
Variant type: single nucleotide variant.
Coding change: c.1202G>T on transcript NM_000143.4 (MANE Select); coding-DNA position 1202, G replaced by T.
Protein change: p.Gly401Val; replaces glycine 401 with valine.
Molecular consequence: missense variant.
Genome position (GRCh38, 1-based): chr1:241,502,477, C>A on the plus strand (G>T on the coding strand, the complement: FH is on the minus strand). VCF-style: chr1-241502477-C-A. GRCh37 (hg19) VCF-style: chr1-241665777-C-A.
Other names: short protein forms G401V.
Identifiers: ClinVar variation 4024823 (VCV004024823.1).